The following is an entry in ClinVar:

ClinVar aggregate classification (germline): Pathogenic (1 of 4 stars; one submission).

Conditions:
Neurofibromatosis, type 1 (NF1). Also called: VON RECKLINGHAUSEN DISEASE; Peripheral type neurofibromatosis; NEUROFIBROMATOSIS, TYPE I, SOMATIC; Neurofibromatosis, type I. Identifiers: Orphanet 636, MedGen C0027831, MONDO:0018975, OMIM 162200. Disease mechanism: loss of function.

Submission:

Labcorp Genetics (formerly Invitae), Labcorp
Classification: Pathogenic for Neurofibromatosis, type 1. Last evaluated: 2025-07-10. Review status: criteria provided, single submitter. Criteria: Invitae Variant Classification Sherloc (09022015). Collection method: clinical testing. Allele origin: germline.
Comment: This sequence change creates a premature translational stop signal (p.Gly842Trpfs*23) in the NF1 gene. It is expected to result in an absent or disrupted protein product. Loss-of-function variants in NF1 are known to be pathogenic (PMID: 10712197, 23913538). This variant is not present in population databases (gnomAD no frequency). This premature translational stop signal has been observed in individual(s) with NF1-related conditions (PMID: 36612057). For these reasons, this variant has been classified as Pathogenic.

Literature cited by the submitters: PubMed 10712197; PubMed 23913538; PubMed 36612057.

NM_001042492.3(NF1):c.2523dup (p.Gly842fs)

Gene: NF1 (neurofibromin 1; plus strand). Cytogenetic location: 17q11.2.
Variant type: Duplication.
Coding change: c.2523dup on transcript NM_001042492.3 (MANE Select); coding-DNA position 2523, one base duplicated (T; older notation c.2523dupT).
Protein change: p.Gly842fs; shifts the reading frame from glycine 842.
Molecular consequence: frameshift variant.
Genome position (GRCh38, 1-based): chr17:31,229,138, T duplicated. VCF-style (leftmost placement, unchanged base first): chr17-31229137-C-CT. GRCh37 (hg19) VCF-style: chr17-29556155-C-CT.
Other names: c.2523dup, p.Gly842fs (NM_000267.4); short protein forms G842fs.
Identifiers: ClinVar variation 4710817 (VCV004710817.1).
Genomic context (GRCh38, chr17:31,229,137, plus strand): 5'-GTGGAGGAGGATCCATAGATTTGTCTGACACAGACTCCCTACAGGAATGGATCAACATGA[C>CT]TGGCTTCCTTTGTGCCCTTGGGGGAGTGTGCCTCCAGCAGAGAAGCAATTCTGGCCTGGC-3'